The following is an entry in ClinVar:

NM_199420.4(POLQ):c.2573A>G (p.Asn858Ser)

Gene: POLQ (DNA polymerase theta; minus strand). Cytogenetic location: 3q13.33.
Variant type: single nucleotide variant.
Coding change: c.2573A>G on transcript NM_199420.4 (MANE Select); coding-DNA position 2573, A replaced by G.
Protein change: p.Asn858Ser; replaces asparagine 858 with serine.
Molecular consequence: missense variant.
Genome position (GRCh38, 1-based): chr3:121,490,358, T>C on the plus strand (A>G on the coding strand, the complement: POLQ is on the minus strand). VCF-style: chr3-121490358-T-C. GRCh37 (hg19) VCF-style: chr3-121209205-T-C.
Other names: short protein forms N858S.
Identifiers: ClinVar variation 1793269 (VCV001793269.2), dbSNP rs2546788517, ClinGen allele CA354105831.
Genomic context (GRCh38, chr3:121,490,358, plus strand): 5'-AGGGCTGCTGCTTCCCTTTCAGTTAAACCTTTTCTGCCAGTCACCCAGATAGTTCGCATA[T>C]TGCGACGTTCTTCAACTGCTTCCTCTTCCTCATCCACTGCCTTCCGGGCACTACACAAGG-3'
Protein context (NP_955452.3, residues 848-868): EEEEAVEERR[Asn858Ser]MRTIWVTGRK

ClinVar aggregate classification (germline): Uncertain significance (1 of 4 stars; one submission).

Submission:

Ambry Genetics
Classification: Uncertain significance. Last evaluated: 2024-02-24. Review status: criteria provided, single submitter. Criteria: Ambry Variant Classification Scheme 2023. Collection method: clinical testing. Allele origin: germline.
Comment: The p.N858S variant (also known as c.2573A>G), located in coding exon 16 of the POLQ gene, results from an A to G substitution at nucleotide position 2573. The asparagine at codon 858 is replaced by serine, an amino acid with highly similar properties. This amino acid position is conserved. In addition, this alteration is predicted to be tolerated by in silico analysis. Since supporting evidence is limited at this time, the clinical significance of this alteration remains unclear.